The following is an entry in ClinVar:

ClinVar aggregate classification (germline): Likely benign. Review status: criteria provided, multiple submitters, no conflicts (2 of 4 stars). 5 submissions from 5 submitters: Likely benign (5). Last evaluated 2026-01-06.

Conditions:
Cardiovascular phenotype. Identifiers: MedGen CN230736.
Catecholaminergic polymorphic ventricular tachycardia (CVPT). Also called: Catecholamine-induced polymorphic ventricular tachycardia. Identifiers: Orphanet 3286, MedGen C5574922, MONDO:0017990.
Cardiomyopathy (CMYO). Also called: Cardiomyopathies. Identifiers: Orphanet 167848, MedGen C0878544, MONDO:0004994, HP:0001638. Inheritance: Various modes of inheritance.
Catecholaminergic polymorphic ventricular tachycardia 1. Also called: RYR2-Related Catecholaminergic Polymorphic Ventricular Tachycardia; VENTRICULAR TACHYCARDIA, CATECHOLAMINERGIC POLYMORPHIC, 1, WITH OR WITHOUT ATRIAL DYSFUNCTION AND/OR DILATED CARDIOMYOPATHY; VENTRICULAR TACHYCARDIA, STRESS-INDUCED POLYMORPHIC 1. Identifiers: Orphanet 3286, MedGen C1631597, MONDO:0011484, OMIM 604772.

Allele frequency attached by ClinVar (database versions not stated): TOPMed 0.00002; ESP Exome Variant Server 0.00008.
gnomAD v4.1: 37 of 1,613,742 alleles (0.0023%); highest among the groups gnomAD compares: East Asian, 0.031%; no homozygotes.

Submissions (5):

Labcorp Genetics (formerly Invitae), Labcorp
Classification: Likely benign for Catecholaminergic polymorphic ventricular tachycardia 1. Last evaluated: 2026-01-06. Review status: criteria provided, single submitter. Criteria: Invitae Variant Classification Sherloc (09022015). Collection method: clinical testing. Allele origin: germline.

Blueprint Genetics
Classification: Likely benign. Last evaluated: 2024-01-12. Review status: criteria provided, single submitter. Criteria: ACMG Guidelines, 2015. Collection method: clinical testing. Allele origin: germline.

All of Us Research Program, National Institutes of Health
Classification: Likely benign for Catecholaminergic polymorphic ventricular tachycardia. Last evaluated: 2023-12-01. Review status: criteria provided, single submitter. Criteria: ACMG Guidelines, 2015. Collection method: clinical testing. Allele origin: germline. Inheritance: Autosomal dominant inheritance. Observed: 14 variant alleles, 13 heterozygotes, 1 homozygote.
Comment: This study involves interpretation of variants in research participants for the purpose of population health screening. Participant phenotype was not available at the time of variant classification. Additional details can be found in publication PMID: 35346344, PMCID: PMC8962531

Color Diagnostics, LLC DBA Color Health
Classification: Likely benign for Cardiomyopathy. Last evaluated: 2019-06-22. Review status: criteria provided, single submitter. Criteria: ACMG Guidelines, 2015. Collection method: clinical testing. Allele origin: germline.

Ambry Genetics
Classification: Likely benign for Cardiovascular phenotype. Last evaluated: 2016-03-22. Review status: criteria provided, single submitter. Criteria: Ambry Variant Classification Scheme 2023. Collection method: clinical testing. Allele origin: germline.

NM_001035.3(RYR2):c.7314C>T (p.Ile2438=)

Gene: RYR2 (ryanodine receptor 2; plus strand). Cytogenetic location: 1q43.
Variant type: single nucleotide variant.
Coding change: c.7314C>T on transcript NM_001035.3 (MANE Select); coding-DNA position 7314, C replaced by T.
Protein change: p.Ile2438=; no amino-acid change (isoleucine 2438 retained).
Molecular consequence: synonymous variant.
Genome position (GRCh38, 1-based): chr1:237,643,419, C>T. VCF-style: chr1-237643419-C-T. GRCh37 (hg19) VCF-style: chr1-237806719-C-T.
Other names: c.7314C>T, p.Ile2438= (LRG_402t1).
Identifiers: ClinVar variation 263678 (VCV000263678.21), dbSNP rs374418643, ClinGen allele CA087358.